The following is an entry in ClinVar:

NM_013432.5(TONSL):c.3006+7C>T

Gene: TONSL (tonsoku like, DNA repair protein; minus strand). Cytogenetic location: 8q24.3.
Variant type: single nucleotide variant.
Coding change: c.3006+7C>T on transcript NM_013432.5 (MANE Select); 7 bases into the intron after coding-DNA position 3006, C replaced by T.
Molecular consequence: intron variant.
Genome position (GRCh38, 1-based): chr8:144,435,010, G>A on the plus strand (C>T on the coding strand, the complement: TONSL is on the minus strand). VCF-style: chr8-144435010-G-A. GRCh37 (hg19) VCF-style: chr8-145660393-G-A.
Other names: c.3006+7C>T (NM_013432.4).
Identifiers: ClinVar variation 1561586 (VCV001561586.9), dbSNP rs370542468, ClinGen allele CA4942654.

ClinVar aggregate classification (germline): Likely benign. Review status: criteria provided, multiple submitters, no conflicts (2 of 4 stars). 2 submissions from 2 submitters: Likely benign (2). Last evaluated 2026-09-21.

Conditions:
TONSL-related disorder. Also called: TONSL-related condition.

Allele frequency attached by ClinVar (database versions not stated): gnomAD exomes 0.00004 and 0.00009; ExAC 0.00007; gnomAD 0.00029 and 0.00031; ESP Exome Variant Server 0.00031; TOPMed 0.00035.
gnomAD v4.1: 103 of 1,612,242 alleles (0.0064%); highest among the groups gnomAD compares: African/African-American, 0.095%; no homozygotes.

Submissions (2):

PreventionGenetics, part of Exact Sciences
Classification: Likely benign for TONSL-related condition. Last evaluated: 2026-09-21. Review status: criteria provided, single submitter. Criteria: ACMG Guidelines, 2015. Collection method: clinical testing. Allele origin: germline.
Comment: This variant is classified as likely benign based on ACMG/AMP sequence variant interpretation guidelines (Richards et al. 2015 PMID: 25741868, with internal and published modifications).

Labcorp Genetics (formerly Invitae), Labcorp
Classification: Likely benign. Last evaluated: 2025-12-15. Review status: criteria provided, single submitter. Criteria: Invitae Variant Classification Sherloc (09022015). Collection method: clinical testing. Allele origin: germline.